The following is an entry in ClinVar:

ClinVar aggregate classification (germline): Uncertain significance (1 of 4 stars; one submission).

Submission:

Greenwood Genetic Center Diagnostic Laboratories, Greenwood Genetic Center
Classification: Uncertain significance. Last evaluated: 2024-08-29. Review status: criteria provided, single submitter. Criteria: ACMG Guidelines, 2015. Collection method: clinical testing. Allele origin: germline. Affected: yes.
Comment: PM2, BP4

NM_019844.4(SLCO1B3):c.139A>T (p.Ile47Phe)

Genes: SLCO1B3 (solute carrier organic anion transporter family member 1B3; plus strand), SLCO1B3-SLCO1B7 (SLCO1B3-SLCO1B7 readthrough; plus strand). Cytogenetic location: 12p12.2.
Variant type: single nucleotide variant.
Coding change: c.139A>T on transcript NM_019844.4 (MANE Select); coding-DNA position 139, A replaced by T.
Protein change: p.Ile47Phe; replaces isoleucine 47 with phenylalanine.
Molecular consequence: missense variant.
Genome position (GRCh38, 1-based): chr12:20,855,082, A>T. VCF-style: chr12-20855082-A-T. GRCh37 (hg19) VCF-style: chr12-21008016-A-T.
Other names: c.139A>T, p.Ile47Phe (NM_001371097.1); c.55A>T, p.Ile19Phe (NM_001349920.2); short protein forms I19F, I47F.
Identifiers: ClinVar variation 3765616 (VCV003765616.1).